The following is an entry in ClinVar:

ClinVar aggregate classification (germline): Uncertain significance (1 of 4 stars; one submission).

Allele frequency attached by ClinVar (database versions not stated): ExAC 0.00002; gnomAD 0.00002; gnomAD exomes 0.00002.
gnomAD v4.1: 46 of 1,608,656 alleles (0.0029%); highest among the groups gnomAD compares: Non-Finnish European, 0.0036%; no homozygotes.

Submission:

Labcorp Genetics (formerly Invitae), Labcorp
Classification: Uncertain significance. Last evaluated: 2025-10-21. Review status: criteria provided, single submitter. Criteria: Invitae Variant Classification Sherloc (09022015). Collection method: clinical testing. Allele origin: germline.
Comment: This sequence change falls in intron 13 of the ITGA8 gene. It does not directly change the encoded amino acid sequence of the ITGA8 protein. It affects a nucleotide within the consensus splice site. This variant is present in population databases (rs779775717, gnomAD 0.004%). This variant has not been reported in the literature in individuals affected with ITGA8-related conditions. ClinVar contains an entry for this variant (Variation ID: 1437890). Variants that disrupt the consensus splice site are a relatively common cause of aberrant splicing (PMID: 17576681, 9536098). Algorithms developed to predict the effect of sequence changes on RNA splicing suggest that this variant is not likely to affect RNA splicing. In summary, the available evidence is currently insufficient to determine the role of this variant in disease. Therefore, it has been classified as a Variant of Uncertain Significance.

Literature cited by the submitters: PubMed 17576681; PubMed 9536098.

NM_003638.3(ITGA8):c.1399+6G>C

Gene: ITGA8 (integrin subunit alpha 8; minus strand). Cytogenetic location: 10p13.
Variant type: single nucleotide variant.
Coding change: c.1399+6G>C on transcript NM_003638.3 (MANE Select); 6 bases into the intron after coding-DNA position 1399, G replaced by C.
Molecular consequence: intron variant.
Genome position (GRCh38, 1-based): chr10:15,644,024, C>G on the plus strand (G>C on the coding strand, the complement: ITGA8 is on the minus strand). VCF-style: chr10-15644024-C-G. GRCh37 (hg19) VCF-style: chr10-15686023-C-G.
Other names: c.1354+6G>C (NM_001291494.2).
Identifiers: ClinVar variation 1437890 (VCV001437890.6), dbSNP rs779775717, ClinGen allele CA5420269.
Genomic context (GRCh38, chr10:15,644,024, plus strand): 5'-TTTTTCAGAAAATGGACTCTATTTCAGGACGTAGACTCTCACGTGGGAAAAGAAAGAAAA[C>G]CTTACCTGGGTAATCATTCTTGTCTATGTCTGAATCTCCTCTTAAAGTAAAGCCAAATCC-3'